The following is an entry in ClinVar:

ClinVar aggregate classification (germline): Conflicting classifications of pathogenicity. Review status: criteria provided, conflicting classifications (1 of 4 stars). 6 submissions from 6 submitters: Uncertain significance (1); Likely benign (4). 1 of the submissions does not count toward it. Last evaluated 2026-07-01.

Conditions:
MAX-related disorder. Also called: MAX-related condition.
Pheochromocytoma. Also called: MAX-Related Hereditary Paraganglioma-Pheochromocytoma Syndrome. Identifiers: Orphanet 29072, MedGen C0031511, MONDO:0008233, OMIM 171300, HP:0002666.
Hereditary pheochromocytoma and paraganglioma. Also called: Hereditary Paraganglioma-Pheochromocytoma Syndromes; Hereditary paragangliomas and pheochromocytomas; Hereditary pheochromocytoma-paraganglioma. Identifiers: Orphanet 29072, MedGen C4274332, MONDO:0017366.

Allele frequency attached by ClinVar (database versions not stated): ESP Exome Variant Server 0.00069; gnomAD 0.00090 and 0.00097; ExAC 0.00095; gnomAD exomes 0.00097 and 0.00103; TOPMed 0.00101.
gnomAD v4.1: 1,631 of 1,611,740 alleles (0.1%); highest among the groups gnomAD compares: Admixed American, 0.19%; 1 homozygote.

Submissions (6):

CeGaT Center for Human Genetics Tuebingen
Classification: Likely benign. Last evaluated: 2026-07-01. Review status: criteria provided, single submitter. Criteria: CeGaT Center For Human Genetics Tuebingen Variant Classification Criteria Version 2. Collection method: clinical testing. Allele origin: germline. Affected: yes. Observed: 13 variant alleles.
Comment: MAX: PP2, PP3, BS1

Blueprint Genetics
Classification: Likely benign. Last evaluated: 2024-11-27. Review status: criteria provided, single submitter. Criteria: ACMG Guidelines, 2015. Collection method: clinical testing. Allele origin: germline.

Institute for Clinical Genetics, University Hospital TU Dresden, University Hospital TU Dresden
Classification: Uncertain significance. Last evaluated: 2021-11-03. Review status: criteria provided, single submitter. Criteria: ACMG Guidelines, 2015. Collection method: clinical testing. Allele origin: germline.

Department of Pathology and Laboratory Medicine, Sinai Health System
Classification: Likely benign for hereditary pheochromocytoma-paraganglioma. Last evaluated: 2021-07-30. Review status: criteria provided, single submitter. Criteria: ACMG Guidelines, 2015. Collection method: research. Allele origin: germline.

Mendelics
Classification: Likely benign for Pheochromocytoma. Last evaluated: 2019-05-28. Review status: criteria provided, single submitter. Criteria: Mendelics Assertion Criteria 2017. Collection method: clinical testing. Allele origin: unknown.

PreventionGenetics, part of Exact Sciences
Classification: Likely benign for MAX-related condition. Last evaluated: 2020-09-16. Review status: no assertion criteria provided. Collection method: clinical testing. Allele origin: germline. Not counted in ClinVar's aggregate classification.
Comment: This variant is classified as likely benign based on ACMG/AMP sequence variant interpretation guidelines (Richards et al. 2015 PMID: 25741868, with internal and published modifications).

NM_002382.5(MAX):c.172-6230G>A

Gene: MAX (MYC associated transcriptional regulator X; minus strand). Cytogenetic location: 14q23.3.
Variant type: single nucleotide variant.
Coding change: c.172-6230G>A on transcript NM_002382.5 (MANE Select); 6230 bases into the intron before coding-DNA position 172, G replaced by A.
Molecular consequence: intron variant. On other transcripts: missense variant (3), synonymous variant (1).
Genome position (GRCh38, 1-based): chr14:65,084,266, C>T on the plus strand (G>A on the coding strand, the complement: MAX is on the minus strand). VCF-style: chr14-65084266-C-T. GRCh37 (hg19) VCF-style: chr14-65550984-C-T.
Other names: c.178G>A, p.Val60Ile (NM_001271068.2, NM_001407113.1); c.228G>A, p.Leu76= (NM_001407114.1); c.205G>A, p.Val69Ile (NM_145114.3); c.144+9442G>A (NM_001271069.2); c.171+9442G>A (NM_197957.4); c.145-6230G>A (NM_145112.3); c.-103-6230G>A (NM_001320415.2); c.172-6230G>A (NM_145113.3); and 1 more; short protein forms V69I, V60I.
Identifiers: ClinVar variation 803032 (VCV000803032.45), dbSNP rs148339628, ClinGen allele CA7232949.